The following is an entry in ClinVar:

ClinVar aggregate classification (germline): Uncertain significance. Review status: criteria provided, multiple submitters, no conflicts (2 of 4 stars). 5 submissions from 5 submitters: Uncertain significance (5). Last evaluated 2025-12-31.

Conditions:
Hereditary cancer-predisposing syndrome. Also called: Neoplastic Syndromes, Hereditary; Hereditary Cancer Syndrome; Tumor predisposition; Hereditary neoplastic syndrome. Identifiers: Orphanet 140162, MedGen C0027672, MeSH D009386, MONDO:0015356.
Ataxia-telangiectasia syndrome (AT). Also called: LOUIS-BAR SYNDROME; Cerebello-oculocutaneous telangiectasia; Immunodeficiency with ataxia telangiectasia; Ataxia-telangiectasia, complementation group D; AT, COMPLEMENTATION GROUP C; Ataxia-telangiectasia, complementation group E. Identifiers: Orphanet 100, MedGen C0004135, MONDO:0008840, OMIM 208900.
Familial cancer of breast. Also called: Hereditary breast cancer; BREAST CANCER, FAMILIAL; hereditary breast carcinoma. Identifiers: Orphanet 227535, MedGen C0346153, MONDO:0016419, OMIM 114480. Disease mechanism: loss of function.

Allele frequency attached by ClinVar (database versions not stated): gnomAD exomes below 0.00001.
gnomAD v4.1: 1 of 1,614,208 alleles (0.000062%); highest among the groups gnomAD compares: Non-Finnish European, 0.000085%; no homozygotes.

Submissions (5):

Labcorp Genetics (formerly Invitae), Labcorp
Classification: Uncertain significance for Ataxia-telangiectasia syndrome. Last evaluated: 2025-12-31. Review status: criteria provided, single submitter. Criteria: Invitae Variant Classification Sherloc (09022015). Collection method: clinical testing. Allele origin: germline.
Comment: This sequence change replaces leucine, which is neutral and non-polar, with tryptophan, which is neutral and slightly polar, at codon 2176 of the ATM protein (p.Leu2176Trp). This variant is not present in population databases (gnomAD no frequency). This variant has not been reported in the literature in individuals affected with ATM-related conditions. ClinVar contains an entry for this variant (Variation ID: 489575). Invitae Evidence Modeling of protein sequence and biophysical properties (such as structural, functional, and spatial information, amino acid conservation, physicochemical variation, residue mobility, and thermodynamic stability) indicates that this missense variant is expected to disrupt ATM protein function with a positive predictive value of 95%. In summary, the available evidence is currently insufficient to determine the role of this variant in disease. Therefore, it has been classified as a Variant of Uncertain Significance.

Center for Genomic Medicine, Rigshospitalet, Copenhagen University Hospital
Classification: Uncertain significance. Last evaluated: 2025-03-04. Review status: criteria provided, single submitter. Criteria: ACMG Guidelines, 2015. Collection method: clinical testing. Allele origin: germline.

Ambry Genetics
Classification: Uncertain significance for Hereditary cancer-predisposing syndrome. Last evaluated: 2024-08-21. Review status: criteria provided, single submitter. Criteria: Ambry Variant Classification Scheme 2023. Collection method: clinical testing. Allele origin: germline.
Comment: The p.L2176W variant (also known as c.6527T>G), located in coding exon 44 of the ATM gene, results from a T to G substitution at nucleotide position 6527. The leucine at codon 2176 is replaced by tryptophan, an amino acid with similar properties. This amino acid position is highly conserved in available vertebrate species. In addition, this alteration is predicted to be deleterious by in silico analysis. Based on the available evidence, the clinical significance of this variant remains unclear.

Baylor Genetics
Classification: Uncertain significance for Familial cancer of breast. Last evaluated: 2024-03-17. Review status: criteria provided, single submitter. Criteria: ACMG Guidelines, 2015. Collection method: clinical testing. Allele origin: unknown.

Color Diagnostics, LLC DBA Color Health
Classification: Uncertain significance for Hereditary cancer-predisposing syndrome. Last evaluated: 2023-12-05. Review status: criteria provided, single submitter. Criteria: ACMG Guidelines, 2015. Collection method: clinical testing. Allele origin: germline.
Comment: This missense variant replaces leucine with tryptophan at codon 2176 of the ATM protein. Computational prediction suggests that this variant may have deleterious impact on protein structure and function (internally defined REVEL score threshold >= 0.7, PMID: 27666373). To our knowledge, functional studies have not been reported for this variant. This variant has not been reported in individuals affected with ATM-related disorders in the literature. This variant has not been identified in the general population by the Genome Aggregation Database (gnomAD). The available evidence is insufficient to determine the role of this variant in disease conclusively. Therefore, this variant is classified as a Variant of Uncertain Significance.

NM_000051.4(ATM):c.6527T>G (p.Leu2176Trp)

Genes: ATM (ATM serine/threonine kinase; plus strand), C11orf65 (chromosome 11 open reading frame 65; minus strand). Cytogenetic location: 11q22.3.
Variant type: single nucleotide variant.
Coding change: c.6527T>G on transcript NM_000051.4 (MANE Select); coding-DNA position 6527, T replaced by G.
Protein change: p.Leu2176Trp; replaces leucine 2176 with tryptophan.
Molecular consequence: missense variant. On other transcripts: intron variant (2).
Genome position (GRCh38, 1-based): chr11:108,321,375, T>G. VCF-style: chr11-108321375-T-G. GRCh37 (hg19) VCF-style: chr11-108192102-T-G.
Other names: c.6527T>G, p.Leu2176Trp (NM_001351834.2); c.641-12304A>C (NM_001330368.2); c.*39-12304A>C (NM_001351110.2); short protein forms L2176W.
Identifiers: ClinVar variation 489575 (VCV000489575.15), dbSNP rs1555117194, ClinGen allele CA382554210.